The following is an entry in ClinVar:

ClinVar aggregate classification (germline): Uncertain significance (1 of 4 stars; one submission).

Submission:

GeneDx
Classification: Uncertain significance. Last evaluated: 2026-05-30. Review status: criteria provided, single submitter. Criteria: GeneDx Variant Classification Process June 2021. Collection method: clinical testing. Allele origin: germline.
Comment: In-frame duplication of 3 amino acids in a non-repeat region; Has not been previously published as pathogenic or benign to our knowledge; Reported using an alternate transcript of the gene

NM_001114753.3(ENG):c.1944_1952dup (p.Pro651_Cys652insSerThrPro)

Gene: ENG (endoglin; minus strand). Cytogenetic location: 9q34.11.
Variant type: Duplication.
Coding change: c.1944_1952dup on transcript NM_001114753.3 (MANE Select); coding-DNA positions 1944 to 1952, 9 bases duplicated (GAGCACCCC; older notation c.1944_1952dupGAGCACCCC).
Protein change: p.Pro651_Cys652insSerThrPro.
Molecular consequence: 3 prime UTR variant (on NM_000118.4).
Genome position (GRCh38, 1-based): chr9:127,815,707-127,815,715, GGGGTGCTC duplicated on the plus strand (GAGCACCCC on the coding strand, the reverse complement: ENG is on the minus strand). VCF-style (leftmost placement, unchanged base first): chr9-127815706-G-GGGGGTGCTC. GRCh37 (hg19) VCF-style: chr9-130577985-G-GGGGGTGCTC.
Other names: c.*202_*210dup (NM_000118.4); c.1398_1406dup, p.Pro469_Cys470insSerThrPro (NM_001278138.2).
Identifiers: ClinVar variation 3907907 (VCV003907907.2).